The following is an entry in ClinVar:

NM_000384.3(APOB):c.255C>T (p.Pro85=)

Gene: APOB (apolipoprotein B; minus strand). Cytogenetic location: 2p24.1.
Variant type: single nucleotide variant.
Coding change: c.255C>T on transcript NM_000384.3 (MANE Select); coding-DNA position 255, C replaced by T.
Protein change: p.Pro85=; no amino-acid change (proline 85 retained).
Molecular consequence: synonymous variant.
Genome position (GRCh38, 1-based): chr2:21,041,066, G>A on the plus strand (C>T on the coding strand, the complement: APOB is on the minus strand). VCF-style: chr2-21041066-G-A. GRCh37 (hg19) VCF-style: chr2-21263938-G-A.
Identifiers: ClinVar variation 758411 (VCV000758411.16), dbSNP rs1213556365, ClinGen allele CA425121622.

ClinVar aggregate classification (germline): Likely benign. Review status: criteria provided, multiple submitters, no conflicts (2 of 4 stars). 3 submissions from 3 submitters: Likely benign (3). Last evaluated 2025-05-03.

Conditions:
Familial hypobetalipoproteinemia 1. Also called: Hypobetalipoproteinemia, normotriglyceridemic; Acanthocytosis with hypobetalipoproteinemia; APOB-Related Familial Hypobetalipoproteinemia. Identifiers: MedGen C4551990, MONDO:0014252, OMIM 615558.
Hypercholesterolemia, autosomal dominant, type B (FHCL2). Also called: HYPERCHOLESTEROLEMIA, FAMILIAL, DUE TO LIGAND-DEFECTIVE APOLIPOPROTEIN B; Familial hypercholesterolemia 2; APOB-Related Familial Hypercholesterolemia, Autosomal Dominant; Familial Hypercholesterolemia Type B; APOLIPOPROTEIN B-100, FAMILIAL DEFECTIVE; APOLIPOPROTEIN B-100, FAMILIAL LIGAND-DEFECTIVE. Identifiers: MedGen C1704417, MONDO:0007751, OMIM 144010.
Familial hypercholesterolemia. Also called: Familial hypercholesterolemias; Familial hypercholesterolaemia. Identifiers: MedGen C0020445, MONDO:0005439.
Cardiovascular phenotype. Identifiers: MedGen CN230736.

Allele frequency attached by ClinVar (database versions not stated): gnomAD exomes below 0.00001; TOPMed 0.00001.
gnomAD v4.1: 7 of 1,612,374 alleles (0.00043%); highest among the groups gnomAD compares: Non-Finnish European, 0.00059%; no homozygotes.

Submissions (3):

Ambry Genetics
Classification: Likely benign for Cardiovascular phenotype. Last evaluated: 2025-05-03. Review status: criteria provided, single submitter. Criteria: Ambry Variant Classification Scheme 2023. Collection method: clinical testing. Allele origin: germline.

GENinCode PLC
Classification: Likely benign for Familial hypercholesterolemia. Last evaluated: 2023-12-13. Review status: criteria provided, single submitter. Criteria: ACMG Guidelines, 2015. Collection method: clinical testing. Allele origin: germline.
Comment: This is a synonymous (silent) variant that is not predicted by SpliceAI to impact splicing. In addition, it occurs at a nucleotide that is not conserved. Therefore this variant has been classified as Likely Benign (BP4, BP7).

Labcorp Genetics (formerly Invitae), Labcorp
Classification: Likely benign for Familial hypobetalipoproteinemia 1; Hypercholesterolemia, autosomal dominant, type B. Last evaluated: 2022-11-23. Review status: criteria provided, single submitter. Criteria: Invitae Variant Classification Sherloc (09022015). Collection method: clinical testing. Allele origin: germline.